The following is an entry in ClinVar:

NM_001378454.1(ALMS1):c.10384+2dup

Gene: ALMS1 (ALMS1 centrosome and basal body associated protein; plus strand). Cytogenetic location: 2p13.1.
Variant type: Duplication.
Coding change: c.10384+2dup on transcript NM_001378454.1 (MANE Select); the canonical splice donor site of the intron after coding-DNA position 10384, one base duplicated (T; older notation c.10384+2dupT).
Molecular consequence: splice donor variant.
Genome position (GRCh38, 1-based): chr2:73,559,144, T duplicated. VCF-style (leftmost placement, unchanged base first): chr2-73559143-G-GT. GRCh37 (hg19) VCF-style: chr2-73786270-G-GT.
Other names: c.10387+2dupT (NM_015120.4); c.10384+2dup (NM_015120.4).
Identifiers: ClinVar variation 558376 (VCV000558376.5), dbSNP rs1255846889, ClinGen allele CA658822827.
Genomic context (GRCh38, chr2:73,559,143, plus strand): 5'-AGACAGTTCCCGAGGAAGCCTGGCCAAACAATAAAGAATCCCTACAGATCAATATTGAAG[G>GT]TAATGGGATTGGGTTGTGTATGAGTGTGTGTGTCTTTGTGTGTATGTGAGGGTCAGTGTT-3'

ClinVar aggregate classification (germline): Uncertain significance. Review status: criteria provided, single submitter (1 of 4 stars). 2 submissions from 2 submitters: Uncertain significance (1). 1 of the submissions does not count toward it. Last evaluated 2025-10-01.

Conditions:
Alstrom syndrome (ALMS). Identifiers: Orphanet 64, MedGen C0268425, MONDO:0008763, OMIM 203800.

Allele frequency attached by ClinVar (database versions not stated): gnomAD exomes below 0.00001; TOPMed below 0.00001.

Submissions (2):

Labcorp Genetics (formerly Invitae), Labcorp
Classification: Uncertain significance for Alstrom syndrome. Last evaluated: 2025-10-01. Review status: criteria provided, single submitter. Criteria: Invitae Variant Classification Sherloc (09022015). Collection method: clinical testing. Allele origin: germline.
Comment: This sequence change falls in intron 15 of the ALMS1 gene. It does not directly change the encoded amino acid sequence of the ALMS1 protein. It affects a nucleotide within the consensus splice site. This variant is not present in population databases (gnomAD no frequency). This variant has not been reported in the literature in individuals affected with ALMS1-related conditions. ClinVar contains an entry for this variant (Variation ID: 558376). Variants that disrupt the consensus splice site are a relatively common cause of aberrant splicing (PMID: 17576681, 9536098). Algorithms developed to predict the effect of sequence changes on RNA splicing suggest that this variant is not likely to affect RNA splicing. In summary, the available evidence is currently insufficient to determine the role of this variant in disease. Therefore, it has been classified as a Variant of Uncertain Significance.

Counsyl
Classification: Uncertain significance for Alstrom syndrome. Last evaluated: 2018-05-16. Review status: no assertion criteria provided. Collection method: clinical testing. Allele origin: unknown. Not counted in ClinVar's aggregate classification.

Literature cited by the submitters: PubMed 17576681 (cited by Labcorp Genetics (formerly Invitae), Labcorp); PubMed 9536098 (cited by Labcorp Genetics (formerly Invitae), Labcorp).